The following is an entry in ClinVar:

NM_001034853.2(RPGR):c.198G>C (p.Gln66His)

Gene: RPGR (retinitis pigmentosa GTPase regulator; minus strand). Cytogenetic location: Xp11.4.
Variant type: single nucleotide variant.
Coding change: c.198G>C on transcript NM_001034853.2 (MANE Select); coding-DNA position 198, G replaced by C.
Protein change: p.Gln66His; replaces glutamine 66 with histidine.
Molecular consequence: missense variant. On other transcripts: non-coding transcript variant (6).
Genome position (GRCh38, 1-based): chrX:38,322,902, C>G on the plus strand (G>C on the coding strand, the complement: RPGR is on the minus strand). VCF-style: chrX-38322902-C-G. GRCh37 (hg19) VCF-style: chrX-38182155-C-G.
Other names: NM_001034853.2(RPGR):c.198G>C; p.Gln66His; c.198G>C, p.Gln66His (NM_000328.3, NM_001367245.1, NM_001367246.1 and 4 more transcripts); c.228G>C, p.Gln76His (NM_001367248.1); short protein forms Q66H, Q76H.
Identifiers: ClinVar variation 866109 (VCV000866109.2), dbSNP rs2067975683, ClinGen allele CA412745605.

ClinVar aggregate classification (germline): Uncertain significance. Review status: reviewed by expert panel (3 of 4 stars). 2 submissions from 2 submitters: Uncertain significance (1). 1 of the submissions does not count toward it. Last evaluated 2025-05-20.

Conditions:
RPGR-related retinopathy. Also called: RPGR retinopathy. Identifiers: MedGen CN305589, MONDO:0100437.

Submissions (2):

ClinGen X-linked Inherited Retinal Disease Variant Curation Expert Panel, ClinGen
Classification: Uncertain significance for RPGR-related retinopathy. Last evaluated: 2025-05-20. Review status: reviewed by expert panel. Criteria: ClinGen X LinkedIRD ACMG Specifications RPGR V1.0.0. Collection method: curation. Allele origin: germline. Inheritance: X-linked inheritance.
Comment: NM_001034853.2(RPGR):c.198G>C (p.Gln66His) is a missense variant in RPGR predicted to cause substitution of glutamine with histidine at amino acid 66. At least one proband harboring this variant has received a diagnosis retinal dystrophy (ClinVar submission SCV001239432.1), however, the available phenotype details were not sufficient to evaluate specificity for RPGR-related retinopathy. This variant is absent from hemizygous individuals in gnomAD v4.1.0 (PM2_Supporting). The computational predictor REVEL gives a score of 0.853, which is between the ClinGen X-linked IRD VCEP thresholds of 0.773 to 0.931 and predicts a damaging effect on RPGR function (PP3_moderate). Another known missense variant in the same codon, NM_001034853.2:c.197A>G (p.Gln66Arg), has been reported in association with retinal dystrophy (PMID: 28838317) but has a higher Grantham score than this variant, so PM5 has not been considered. In summary, this variant is classified as a variant of uncertain significance for RPGR-related retinopathy based on the ClinGen X-linked Inherited Retinal Disease Expert Panel Specifications to the ACMG/AMP Variant Interpretation Guidelines for RPGR Version 1.0.0; PM2_Supporting and PP3_moderate. (date of approval 05/16/2025).

Blueprint Genetics
Classification: Uncertain significance. Last evaluated: 2018-07-24. Review status: criteria provided, single submitter. Criteria: ACMG Guidelines, 2015. Collection method: clinical testing. Allele origin: germline. Not counted in ClinVar's aggregate classification.